The following is an entry in ClinVar:

NM_000416.3(IFNGR1):c.595C>G (p.Gln199Glu)

Gene: IFNGR1 (interferon gamma receptor 1; minus strand). Cytogenetic location: 6q23.3.
Variant type: single nucleotide variant.
Coding change: c.595C>G on transcript NM_000416.3 (MANE Select); coding-DNA position 595, C replaced by G.
Protein change: p.Gln199Glu; replaces glutamine 199 with glutamic acid.
Molecular consequence: missense variant.
Genome position (GRCh38, 1-based): chr6:137,203,637, G>C on the plus strand (C>G on the coding strand, the complement: IFNGR1 is on the minus strand). VCF-style: chr6-137203637-G-C. GRCh37 (hg19) VCF-style: chr6-137524774-G-C.
Other names: c.565C>G, p.Gln189Glu (NM_001363526.1); c.472C>G, p.Gln158Glu (NM_001363527.1); short protein forms Q189E, Q199E, Q158E.
Identifiers: ClinVar variation 4706679 (VCV004706679.1).

ClinVar aggregate classification (germline): Uncertain significance (1 of 4 stars; one submission).

Conditions:
Disseminated atypical mycobacterial infection. Identifiers: MedGen C0694566.

gnomAD v4.1: 6 of 1,612,502 alleles (0.00037%); highest among the groups gnomAD compares: South Asian, 0.0055%; no homozygotes.

Submission:

Labcorp Genetics (formerly Invitae), Labcorp
Classification: Uncertain significance for Disseminated atypical mycobacterial infection. Last evaluated: 2025-06-22. Review status: criteria provided, single submitter. Criteria: Invitae Variant Classification Sherloc (09022015). Collection method: clinical testing. Allele origin: germline.
Comment: This sequence change replaces glutamine, which is neutral and polar, with glutamic acid, which is acidic and polar, at codon 199 of the IFNGR1 protein (p.Gln199Glu). This variant is present in population databases (rs759268950, gnomAD 0.01%). This variant has not been reported in the literature in individuals affected with IFNGR1-related conditions. Invitae Evidence Modeling of protein sequence and biophysical properties (such as structural, functional, and spatial information, amino acid conservation, physicochemical variation, residue mobility, and thermodynamic stability) indicates that this missense variant is not expected to disrupt IFNGR1 protein function with a negative predictive value of 80%. In summary, the available evidence is currently insufficient to determine the role of this variant in disease. Therefore, it has been classified as a Variant of Uncertain Significance.